The following is an entry in ClinVar:

NM_139058.3(ARX):c.543C>T (p.Pro181=)

Gene: ARX (aristaless related homeobox; minus strand). Cytogenetic location: Xp21.3.
Variant type: single nucleotide variant.
Coding change: c.543C>T on transcript NM_139058.3 (MANE Select); coding-DNA position 543, C replaced by T.
Protein change: p.Pro181=; no amino-acid change (proline 181 retained).
Molecular consequence: synonymous variant.
Genome position (GRCh38, 1-based): chrX:25,013,452, G>A on the plus strand (C>T on the coding strand, the complement: ARX is on the minus strand). VCF-style: chrX-25013452-G-A. GRCh37 (hg19) VCF-style: chrX-25031569-G-A.
Other names: p.P181P:CCC>CCT.
Identifiers: ClinVar variation 136420 (VCV000136420.9), dbSNP rs587780854, ClinGen allele CA289511.

ClinVar aggregate classification (germline): Benign/Likely benign. Review status: criteria provided, multiple submitters, no conflicts (2 of 4 stars). 2 submissions from 2 submitters: Benign (1); Likely benign (1). Last evaluated 2024-01-29.

Conditions:
Developmental and epileptic encephalopathy, 1 (DEE1). Also called: Epileptic encephalopathy, early infantile, 1; X-linked infantile spasms; West's syndrome; Tonic spasms with clustering, arrest of psychomotor development and hypsarrhythmia on EEG; X-Linked Infantile Spasm Syndrome; INFANTILE SPASM SYNDROME, X-LINKED 1. Identifiers: MedGen C3463992, MONDO:0010632, OMIM 308350. Disease mechanism: loss of function.
Intellectual disability, X-linked, with or without seizures, ARX-related. Also called: INTELLECTUAL DEVELOPMENTAL DISORDER, X-LINKED 29; MENTAL RETARDATION, X-LINKED 29; MENTAL RETARDATION, X-LINKED 32; MENTAL RETARDATION, X-LINKED 33; MENTAL RETARDATION, X-LINKED 38; MENTAL RETARDATION, X-LINKED 43. Identifiers: Orphanet 777, MedGen C0796244, MONDO:0010317, OMIM 300419.

Allele frequency attached by ClinVar (database versions not stated): gnomAD exomes 0.00001; 1000 Genomes Project 30x 0.00021; TOPMed below 0.00001; gnomAD 0.00001.
gnomAD v4.1: 8 of 930,487 alleles (0.00086%); highest among the groups gnomAD compares: East Asian, 0.0055%; no homozygotes.

Submissions (2):

Labcorp Genetics (formerly Invitae), Labcorp
Classification: Likely benign for Developmental and epileptic encephalopathy, 1; Intellectual disability, X-linked, with or without seizures, ARX-related. Last evaluated: 2024-01-29. Review status: criteria provided, single submitter. Criteria: Invitae Variant Classification Sherloc (09022015). Collection method: clinical testing. Allele origin: germline.

GeneDx
Classification: Benign. Last evaluated: 2014-01-15. Review status: criteria provided, single submitter. Criteria: GeneDx Variant Classification (06012015). Collection method: clinical testing. Allele origin: germline. Affected: yes.
Comment: This variant is considered likely benign or benign based on one or more of the following criteria: it is a conservative change, it occurs at a poorly conserved position in the protein, it is predicted to be benign by multiple in silico algorithms, and/or has population frequency not consistent with disease.